The following is an entry in ClinVar:

ClinVar aggregate classification (germline): Pathogenic (1 of 4 stars; one submission).

Conditions:
Familial cancer of breast. Also called: BREAST CANCER, FAMILIAL; Hereditary breast cancer; hereditary breast carcinoma. Identifiers: Orphanet 227535, MedGen C0346153, MONDO:0016419, OMIM 114480. Disease mechanism: loss of function.

Submission:

Labcorp Genetics (formerly Invitae), Labcorp
Classification: Pathogenic for Familial cancer of breast. Last evaluated: 2022-02-19. Review status: criteria provided, single submitter. Criteria: Invitae Variant Classification Sherloc (09022015). Collection method: clinical testing. Allele origin: germline.
Comment: For these reasons, this variant has been classified as Pathogenic. This variant has not been reported in the literature in individuals affected with PALB2-related conditions. This variant is not present in population databases (gnomAD no frequency). This sequence change creates a premature translational stop signal (p.Pro65Alafs*8) in the PALB2 gene. It is expected to result in an absent or disrupted protein product. Loss-of-function variants in PALB2 are known to be pathogenic (PMID: 17200668, 17200671, 17200672, 24136930, 25099575).

Literature cited by the submitters: PubMed 17200668; PubMed 17200671; PubMed 17200672; PubMed 24136930; PubMed 25099575.

NM_024675.4(PALB2):c.192_193del (p.Pro65fs)

Gene: PALB2 (partner and localizer of BRCA2; minus strand). Cytogenetic location: 16p12.2.
Variant type: Deletion.
Coding change: c.192_193del on transcript NM_024675.4 (MANE Select); coding-DNA positions 192 to 193, 2 bases deleted (AC; older notation c.192_193delAC).
Protein change: p.Pro65fs; shifts the reading frame from proline 65.
Molecular consequence: frameshift variant.
Genome position (GRCh38, 1-based): chr16:23,637,868-23,637,869, GT deleted on the plus strand (AC on the coding strand, the reverse complement: PALB2 is on the minus strand); deleting any 2 consecutive bases within chr16:23,637,868-23,637,870 gives the same sequence; the c. name uses the placement nearest the transcript's 3' end. VCF-style (leftmost placement, unchanged base first): chr16-23637867-GGT-G. GRCh37 (hg19) VCF-style: chr16-23649188-GGT-G.
Other names: short protein forms P65fs.
Identifiers: ClinVar variation 1364933 (VCV001364933.7), dbSNP rs2142455866, ClinGen allele CA2573152322.